The following is an entry in ClinVar:

ClinVar aggregate classification (germline): Likely benign. Review status: criteria provided, multiple submitters, no conflicts (2 of 4 stars). 3 submissions from 3 submitters: Likely benign (2). 1 of the submissions does not count toward it. Last evaluated 2025-12-26.

Conditions:
ITGA6-related disorder. Also called: ITGA6-related condition.
Junctional epidermolysis bullosa with pyloric atresia. Also called: EPIDERMOLYSIS BULLOSA, JUNCTIONAL 5B, WITH PYLORIC ATRESIA; APLASIA CUTIS CONGENITA WITH GASTROINTESTINAL ATRESIA; CARMI SYNDROME; EB-PA-ACC; Epidermolysis bullosa, junctional, with pyloric atresia and aplasia cutis congenita; Epidermolysis bullosa junctionalis with pyloric atresia. Identifiers: Orphanet 79403, MedGen C5676875, MONDO:0009183, OMIM 226730.

Allele frequency attached by ClinVar (database versions not stated): 1000 Genomes Project 0.00140; 1000 Genomes Project 30x 0.00156; TOPMed 0.00221; gnomAD exomes 0.00240 and 0.00374; ExAC 0.00249; gnomAD 0.00269 and 0.00278; ESP Exome Variant Server 0.00331.
gnomAD v4.1: 5,790 of 1,606,780 alleles (0.36%); highest among the groups gnomAD compares: Non-Finnish European, 0.44%; 17 homozygotes.

Submissions (3):

Labcorp Genetics (formerly Invitae), Labcorp
Classification: Likely benign. Last evaluated: 2025-12-26. Review status: criteria provided, single submitter. Criteria: Invitae Variant Classification Sherloc (09022015). Collection method: clinical testing. Allele origin: germline.

Illumina Laboratory Services, Illumina
Classification: Likely benign for Junctional epidermolysis bullosa with pyloric atresia. Last evaluated: 2018-01-13. Review status: criteria provided, single submitter. Criteria: ICSL Variant Classification Criteria 13 December 2019. Collection method: clinical testing. Allele origin: germline.
Comment: This variant was observed in the ICSL laboratory as part of a predisposition screen in an ostensibly healthy population. It had not been previously curated by ICSL or reported in the Human Gene Mutation Database (HGMD: prior to June 1st, 2018), and was therefore a candidate for classification through an automated scoring system. Utilizing variant allele frequency, disease prevalence and penetrance estimates, and inheritance mode, an automated score was calculated to assess if this variant is too frequent to cause the disease. Based on the score and internal cut-off values, a variant classified as likely benign is not then subjected to further curation. The score for this variant resulted in a classification of likely benign for this disease.

PreventionGenetics, part of Exact Sciences
Classification: Likely benign for ITGA6-related condition. Last evaluated: 2020-01-03. Review status: no assertion criteria provided. Collection method: clinical testing. Allele origin: germline. Not counted in ClinVar's aggregate classification.
Comment: This variant is classified as likely benign based on ACMG/AMP sequence variant interpretation guidelines (Richards et al. 2015 PMID: 25741868, with internal and published modifications).

NM_000210.4(ITGA6):c.148A>G (p.Met50Val)

Gene: ITGA6 (integrin subunit alpha 6; plus strand). Cytogenetic location: 2q31.1.
Variant type: single nucleotide variant.
Coding change: c.148A>G on transcript NM_000210.4 (MANE Select); coding-DNA position 148, A replaced by G.
Protein change: p.Met50Val; replaces methionine 50 with valine.
Molecular consequence: missense variant. On other transcripts: intron variant (1).
Genome position (GRCh38, 1-based): chr2:172,427,936, A>G. VCF-style: chr2-172427936-A-G. GRCh37 (hg19) VCF-style: chr2-173292664-A-G.
Other names: c.148A>G, p.Met50Val (NM_001079818.3, NM_001365529.2, NM_001365530.2); c.-161+466A>G (NM_001316306.2); short protein forms M50V.
Identifiers: ClinVar variation 713777 (VCV000713777.14), dbSNP rs138572695, ClinGen allele CA1967719.